The following is an entry in ClinVar:

NM_001388492.1(HTT):c.4142C>T (p.Ala1381Val)

Gene: HTT (huntingtin; plus strand). Cytogenetic location: 4p16.3.
Variant type: single nucleotide variant.
Coding change: c.4142C>T on transcript NM_001388492.1 (MANE Select); coding-DNA position 4142, C replaced by T.
Protein change: p.Ala1381Val; replaces alanine 1381 with valine.
Molecular consequence: missense variant.
Genome position (GRCh38, 1-based): chr4:3,173,107, C>T. VCF-style: chr4-3173107-C-T. GRCh37 (hg19) VCF-style: chr4-3174834-C-T.
Other names: c.4148C>T, p.Ala1383Val (NM_002111.8); short protein forms A1381V, A1383V.
Identifiers: ClinVar variation 1364349 (VCV001364349.3), dbSNP rs546814369, ClinGen allele CA2824319.
Genomic context (GRCh38, chr4:3,173,107, plus strand): 5'-CCCCGTACACCCACTTCACCCAGGCCCTCGCTGACGCCAGCCTGAGGAACATGGTGCAGG[C>T]GGAGCAGGAGAACGACACCTCGGGGTAACAGTTGTGGCAAGAATGCTGTCGTTGGTGGAA-3'
Protein context (NP_001375421.1, residues 1371-1391): ADASLRNMVQ[Ala1381Val]EQENDTSGWF

ClinVar aggregate classification (germline): Uncertain significance (1 of 4 stars; one submission).

Allele frequency attached by ClinVar (database versions not stated): gnomAD exomes 0.00001 and 0.00004; ExAC 0.00002; TOPMed 0.00003; gnomAD 0.00004; 1000 Genomes Project 0.00020; 1000 Genomes Project 30x 0.00031.
gnomAD v4.1: 28 of 1,613,900 alleles (0.0017%); highest among the groups gnomAD compares: African/African-American, 0.008%; no homozygotes.

Submission:

Labcorp Genetics (formerly Invitae), Labcorp
Classification: Uncertain significance. Last evaluated: 2021-02-17. Review status: criteria provided, single submitter. Criteria: Invitae Variant Classification Sherloc (09022015). Collection method: clinical testing. Allele origin: germline.
Comment: This sequence change replaces alanine with valine at codon 1383 of the HTT protein (p.Ala1383Val). The alanine residue is moderately conserved and there is a small physicochemical difference between alanine and valine. This variant is present in population databases (rs546814369, ExAC 0.01%). This variant has not been reported in the literature in individuals with HTT-related conditions. Experimental studies and prediction algorithms are not available or were not evaluated, and the functional significance of this variant is currently unknown. In summary, the available evidence is currently insufficient to determine the role of this variant in disease. Therefore, it has been classified as a Variant of Uncertain Significance.